The following is an entry in ClinVar:

NM_001111077.2(EZR):c.441C>G (p.Leu147=)

Genes: EZR (ezrin; minus strand), LOC126859852 (P300/CBP strongly-dependent group 1 enhancer GRCh37_chr6:159205226-159206425; plus strand). Cytogenetic location: 6q25.3.
Variant type: single nucleotide variant.
Coding change: c.441C>G on transcript NM_001111077.2 (MANE Select); coding-DNA position 441, C replaced by G.
Protein change: p.Leu147=; no amino-acid change (leucine 147 retained).
Molecular consequence: synonymous variant.
Genome position (GRCh38, 1-based): chr6:158,785,335, G>C on the plus strand (C>G on the coding strand, the complement: EZR is on the minus strand). VCF-style: chr6-158785335-G-C. GRCh37 (hg19) VCF-style: chr6-159206367-G-C.
Other names: c.441C>G, p.Leu147= (NM_003379.5).
Identifiers: ClinVar variation 3053752 (VCV003053752.2), dbSNP rs748712652, ClinGen allele CA4075341.
Genomic context (GRCh38, chr6:158,785,335, plus strand): 5'-TGCTCCTGCCCAGGCCGGGTCATCCTGTGCTCACCTTTGAGGGATCAGCCGCTCAGAGCT[G>C]AGGTACCCAGACTTGTGCACTTCTTTGTTGTAGTCCCCAAACTTGGCCTGCACAGCGTAG-3'
Protein context (NP_001104547.1, residues 137-157): YNKEVHKSGY[Leu147=]SSERLIPQRV

ClinVar aggregate classification (germline): Likely benign (0 of 4 stars; one submission).

Conditions:
EZR-related disorder. Also called: EZR-related condition.

Allele frequency attached by ClinVar (database versions not stated): ExAC 0.00007; gnomAD exomes 0.00008; TOPMed 0.00008.

Submission:

PreventionGenetics, part of Exact Sciences
Classification: Likely benign for EZR-related condition. Last evaluated: 2019-08-13. Review status: no assertion criteria provided. Collection method: clinical testing. Allele origin: germline.
Comment: This variant is classified as likely benign based on ACMG/AMP sequence variant interpretation guidelines (Richards et al. 2015 PMID: 25741868, with internal and published modifications).